The following is an entry in ClinVar:

ClinVar aggregate classification (germline): Uncertain significance. Review status: criteria provided, multiple submitters, no conflicts (2 of 4 stars). 4 submissions from 4 submitters: Uncertain significance (4). Last evaluated 2025-08-26.

Conditions:
Hereditary cancer-predisposing syndrome. Also called: Neoplastic Syndromes, Hereditary; Hereditary Cancer Syndrome; Hereditary neoplastic syndrome; Tumor predisposition. Identifiers: Orphanet 140162, MedGen C0027672, MeSH D009386, MONDO:0015356.
Hereditary pheochromocytoma and paraganglioma. Also called: Hereditary Paraganglioma-Pheochromocytoma Syndromes; Hereditary pheochromocytoma-paraganglioma; Hereditary paragangliomas and pheochromocytomas. Identifiers: Orphanet 29072, MedGen C4274332, MONDO:0017366.
Pheochromocytoma/paraganglioma syndrome 4. Also called: PARAGANGLIOMA, FAMILIAL MALIGNANT; PARAGANGLIOMAS, HEREDITARY EXTRAADRENAL; PHEOCHROMOCYTOMA, FAMILIAL EXTRAADRENAL; Paragangliomas 4; CAROTID BODY TUMORS AND MULTIPLE EXTRAADRENAL PHEOCHROMOCYTOMAS; SDHB-Related Hereditary Paraganglioma-Pheochromocytoma Syndrome (Paragangliomas 4). Identifiers: Orphanet 29072, MedGen C1861848, MONDO:0007273, OMIM 115310.
Gastrointestinal stromal tumor. Also called: Gastrointestinal stroma tumor; Gastrointestinal stromal tumor, somatic. Identifiers: Orphanet 44890, MedGen C0238198, MeSH D046152, MONDO:0011719, OMIM 606764, HP:0100723.
Pheochromocytoma. Also called: MAX-Related Hereditary Paraganglioma-Pheochromocytoma Syndrome. Identifiers: Orphanet 29072, MedGen C0031511, MONDO:0008233, OMIM 171300, HP:0002666.

Allele frequency attached by ClinVar (database versions not stated): 1000 Genomes Project 30x 0.00016; 1000 Genomes Project 0.00020; gnomAD 0.00001; gnomAD exomes 0.00001.
gnomAD v4.1: 22 of 1,613,210 alleles (0.0014%); highest among the groups gnomAD compares: East Asian, 0.0022%; no homozygotes.

Submissions (4):

Labcorp Genetics (formerly Invitae), Labcorp
Classification: Uncertain significance for Gastrointestinal stromal tumor; Pheochromocytoma/paraganglioma syndrome 4; Pheochromocytoma. Last evaluated: 2025-08-26. Review status: criteria provided, single submitter. Criteria: Invitae Variant Classification Sherloc (09022015). Collection method: clinical testing. Allele origin: germline.
Comment: This sequence change replaces threonine, which is neutral and polar, with alanine, which is neutral and non-polar, at codon 272 of the SDHB protein (p.Thr272Ala). This variant is present in population databases (rs545681543, gnomAD 0.003%). This variant has not been reported in the literature in individuals affected with SDHB-related conditions. ClinVar contains an entry for this variant (Variation ID: 412468). Invitae Evidence Modeling of protein sequence and biophysical properties (such as structural, functional, and spatial information, amino acid conservation, physicochemical variation, residue mobility, and thermodynamic stability) indicates that this missense variant is not expected to disrupt SDHB protein function with a negative predictive value of 80%. In summary, the available evidence is currently insufficient to determine the role of this variant in disease. Therefore, it has been classified as a Variant of Uncertain Significance.

Ambry Genetics
Classification: Uncertain significance for Hereditary cancer-predisposing syndrome. Last evaluated: 2024-11-19. Review status: criteria provided, single submitter. Criteria: Ambry Variant Classification Scheme 2023. Collection method: clinical testing. Allele origin: germline.
Comment: The p.T272A variant (also known as c.814A>G), located in coding exon 8 of the SDHB gene, results from an A to G substitution at nucleotide position 814. The threonine at codon 272 is replaced by alanine, an amino acid with similar properties. This amino acid position is highly conserved in available vertebrate species. In addition, this alteration is predicted to be deleterious by in silico analysis. Based on the available evidence, the clinical significance of this variant remains unclear.

All of Us Research Program, National Institutes of Health
Classification: Uncertain significance for Hereditary pheochromocytoma and paraganglioma. Last evaluated: 2024-04-25. Review status: criteria provided, single submitter. Criteria: ACMG Guidelines, 2015. Collection method: clinical testing. Allele origin: germline. Inheritance: Autosomal dominant inheritance. Observed: 1 variant allele, 1 heterozygote.
Comment: This missense variant replaces threonine with alanine at codon 272 of the SDHB protein. Computational prediction is inconclusive regarding the impact of this variant on protein structure and function (internally defined REVEL score threshold 0.5 < inconclusive < 0.7, PMID: 27666373). To our knowledge, functional studies have not been reported for this variant. This variant has not been reported in individuals affected with SDHB-related disorders in the literature. This variant has been identified in 3/251332 chromosomes in the general population by the Genome Aggregation Database (gnomAD). The available evidence is insufficient to determine the role of this variant in disease conclusively. Therefore, this variant is classified as a Variant of Uncertain Significance.

This study involves interpretation of variants in research participants for the purpose of population health screening. Participant phenotype was not available at the time of variant classification. Additional details can be found in publication PMID: 35346344, PMCID: PMC8962531

Color Diagnostics, LLC DBA Color Health
Classification: Uncertain significance for Hereditary pheochromocytoma and paraganglioma. Last evaluated: 2024-04-17. Review status: criteria provided, single submitter. Criteria: ACMG Guidelines, 2015. Collection method: clinical testing. Allele origin: germline.
Comment: This missense variant replaces threonine with alanine at codon 272 of the SDHB protein. Computational prediction is inconclusive regarding the impact of this variant on protein structure and function. To our knowledge, functional studies have not been reported for this variant. This variant has not been reported in individuals affected with SDHB-related disorders in the literature. This variant has been identified in 3/251332 chromosomes in the general population by the Genome Aggregation Database (gnomAD). The available evidence is insufficient to determine the role of this variant in disease conclusively. Therefore, this variant is classified as a Variant of Uncertain Significance.

NM_003000.3(SDHB):c.814A>G (p.Thr272Ala)

Gene: SDHB (succinate dehydrogenase complex iron sulfur subunit B; minus strand). Cytogenetic location: 1p36.13.
Variant type: single nucleotide variant.
Coding change: c.814A>G on transcript NM_003000.3 (MANE Select); coding-DNA position 814, A replaced by G.
Protein change: p.Thr272Ala; replaces threonine 272 with alanine.
Molecular consequence: missense variant.
Genome position (GRCh38, 1-based): chr1:17,018,910, T>C on the plus strand (A>G on the coding strand, the complement: SDHB is on the minus strand). VCF-style: chr1-17018910-T-C. GRCh37 (hg19) VCF-style: chr1-17345405-T-C.
Other names: short protein forms T272A.
Identifiers: ClinVar variation 412468 (VCV000412468.14), dbSNP rs545681543, ClinGen allele CA16609930.
Genomic context (GRCh38, chr1:17,018,910, plus strand): 5'-TGGTTATAAATCATGTTTAGCATGGAAACAGTTAAACTGAAGCTTTCTTCTCCTTATAGG[T>C]TGCCATCATTTTCTTGATCTCTGCAATAGCTTTCCCTGGATTCAGACCCTTGAAAAAAGA-3'
Protein context (NP_002991.2, residues 262-280): AIAEIKKMMA[Thr272Ala]YKEKKASV